The following is an entry in ClinVar:

NM_014285.7(EXOSC2):c.705C>A (p.Ser235=)

Gene: EXOSC2 (exosome component 2; plus strand). Cytogenetic location: 9q34.12.
Variant type: single nucleotide variant.
Coding change: c.705C>A on transcript NM_014285.7 (MANE Select); coding-DNA position 705, C replaced by A.
Protein change: p.Ser235=; no amino-acid change (serine 235 retained).
Molecular consequence: synonymous variant. On other transcripts: non-coding transcript variant (1).
Genome position (GRCh38, 1-based): chr9:130,703,085, C>A. VCF-style: chr9-130703085-C-A. GRCh37 (hg19) VCF-style: chr9-133578472-C-A.
Other names: c.627C>A, p.Ser209= (NM_001282708.1); c.615C>A, p.Ser205= (NM_001282709.1).
Identifiers: ClinVar variation 1097183 (VCV001097183.8), dbSNP rs763461702, ClinGen allele CA5284963.
Genomic context (GRCh38, chr9:130,703,085, plus strand): 5'-CCCTTCCCCTCTCTGTGTCTCCTTATAGCCTGTCTCTCTTGCTGATCGAGAGGTGATATC[C>A]CGGCTTCGGAACTGCATCATCTCGCTGGTAACTCAGAGGATGATGCTGTATGATACCAGC-3'
Protein context (NP_055100.2, residues 225-245): PVSLADREVI[Ser235=]RLRNCIISLV

ClinVar aggregate classification (germline): Likely benign. Review status: criteria provided, multiple submitters, no conflicts (2 of 4 stars). 2 submissions from 2 submitters: Likely benign (2). Last evaluated 2026-09-01.

Allele frequency attached by ClinVar (database versions not stated): gnomAD exomes 0.00003 and 0.00011; ExAC 0.00004; gnomAD 0.00004 and 0.00005; TOPMed 0.00006.
gnomAD v4.1: 163 of 1,613,668 alleles (0.01%); highest among the groups gnomAD compares: Non-Finnish European, 0.013%; no homozygotes.

Submissions (2):

CeGaT Center for Human Genetics Tuebingen
Classification: Likely benign. Last evaluated: 2026-09-01. Review status: criteria provided, single submitter. Criteria: CeGaT Center For Human Genetics Tuebingen Variant Classification Criteria Version 2. Collection method: clinical testing. Allele origin: germline. Affected: yes. Observed: 1 variant allele.
Comment: EXOSC2: BP4, BP7

Labcorp Genetics (formerly Invitae), Labcorp
Classification: Likely benign. Last evaluated: 2025-04-23. Review status: criteria provided, single submitter. Criteria: Invitae Variant Classification Sherloc (09022015). Collection method: clinical testing. Allele origin: germline.